The following is an entry in ClinVar:

ClinVar aggregate classification (germline): Uncertain significance. Review status: criteria provided, multiple submitters, no conflicts (2 of 4 stars). 2 submissions from 2 submitters: Uncertain significance (2). Last evaluated 2025-07-01.

Conditions:
Inborn genetic diseases. Identifiers: MedGen C0950123, MeSH D030342.
Baller-Gerold syndrome (BGS). Also called: CRANIOSYNOSTOSIS WITH RADIAL DEFECTS. Identifiers: Orphanet 1225, MedGen C0265308, MONDO:0009039, OMIM 218600.

Submissions (2):

Ambry Genetics
Classification: Uncertain significance for Inborn genetic diseases. Last evaluated: 2025-07-01. Review status: criteria provided, single submitter. Criteria: Ambry Variant Classification Scheme 2023. Collection method: clinical testing. Allele origin: germline.
Comment: The p.S732C variant (also known as c.2195C>G), located in coding exon 13 of the RECQL4 gene, results from a C to G substitution at nucleotide position 2195. The serine at codon 732 is replaced by cysteine, an amino acid with dissimilar properties. This amino acid position is conserved. In addition, this alteration is predicted to be tolerated by in silico analysis. Based on the available evidence, the clinical significance of this variant remains unclear.

Labcorp Genetics (formerly Invitae), Labcorp
Classification: Uncertain significance for Baller-Gerold syndrome. Last evaluated: 2016-10-24. Review status: criteria provided, single submitter. Criteria: Invitae Variant Classification Sherloc (09022015). Collection method: clinical testing. Allele origin: germline.
Comment: Algorithms developed to predict the effect of missense changes on protein structure and function do not agree on the potential impact of this missense change (SIFT: "Tolerated"; PolyPhen-2: "Possibly Damaging"; Align-GVGD: "Class C0"). In summary, this variant is a novel missense change with uncertain impact on protein function. It has been classified as a Variant of Uncertain Significance. Algorithms developed to predict the effect of sequence changes on RNA splicing suggest that this variant may alter RNA splicing, but this prediction has not been confirmed by published transcriptional studies. This variant is not present in population databases (ExAC no frequency) and has not been reported in the literature in individuals with a RECQL4-related disease. This sequence change replaces serine with cysteine at codon 732 of the RECQL4 protein (p.Ser732Cys). The serine residue is weakly conserved and there is a moderate physicochemical difference between serine and cysteine.

NM_004260.4(RECQL4):c.2195C>G (p.Ser732Cys)

Gene: RECQL4 (RecQ like helicase 4; minus strand). Cytogenetic location: 8q24.3.
Variant type: single nucleotide variant.
Coding change: c.2195C>G on transcript NM_004260.4 (MANE Select); coding-DNA position 2195, C replaced by G.
Protein change: p.Ser732Cys; replaces serine 732 with cysteine.
Molecular consequence: missense variant.
Genome position (GRCh38, 1-based): chr8:144,513,576, G>C on the plus strand (C>G on the coding strand, the complement: RECQL4 is on the minus strand). VCF-style: chr8-144513576-G-C. GRCh37 (hg19) VCF-style: chr8-145738960-G-C.
Other names: short protein forms S732C.
Identifiers: ClinVar variation 406936 (VCV000406936.4), dbSNP rs1060501366, ClinGen allele CA16612347.
Genomic context (GRCh38, chr8:144,513,576, plus strand): 5'-GACCATGTGTGCCCAAGGTGGGTCCACGGGGACACCAGCTCTGTCCATGCCGCACCTCCA[G>C]ACCCTGGGACCCAGGCTGCGTGCAGGCAGGTTCGGAGGAGCGCAGCGATCCGCTCTGTGT-3'
Protein context (NP_004251.4, residues 722-742): TCLHAAWVPG[Ser732Cys]GGRAPKTTAE